The following is an entry in ClinVar:

ClinVar aggregate classification (germline): Uncertain significance (1 of 4 stars; one submission).

Conditions:
NRXN2-related disorder. Also called: NRXN2-related condition.

Submission:

PreventionGenetics, part of Exact Sciences
Classification: Uncertain significance for NRXN2-related condition. Last evaluated: 2025-12-05. Review status: criteria provided, single submitter. Criteria: ACMG Guidelines, 2015. Collection method: clinical testing. Allele origin: germline.
Comment: The NRXN2 c.4114A>T variant is predicted to result in the amino acid substitution p.Met1372Leu. To our knowledge, this variant has not been reported in the literature or in a large population database (gnomAD), indicating this variant is rare. At this time, the clinical significance of this variant is uncertain due to the absence of conclusive functional and genetic evidence.

NM_015080.4(NRXN2):c.4114A>T (p.Met1372Leu)

Gene: NRXN2 (neurexin 2; minus strand). Cytogenetic location: 11q13.1.
Variant type: single nucleotide variant.
Coding change: c.4114A>T on transcript NM_015080.4 (MANE Select); coding-DNA position 4114, A replaced by T.
Protein change: p.Met1372Leu; replaces methionine 1372 with leucine.
Molecular consequence: missense variant.
Genome position (GRCh38, 1-based): chr11:64,622,812, T>A on the plus strand (A>T on the coding strand, the complement: NRXN2 is on the minus strand). VCF-style: chr11-64622812-T-A. GRCh37 (hg19) VCF-style: chr11-64390284-T-A.
Other names: c.4114A>T, p.Met1372Leu (NM_001376262.1); c.4093A>T, p.Met1365Leu (NM_001376263.1); c.4069A>T, p.Met1357Leu (NM_001376265.1); c.4090A>T, p.Met1364Leu (NM_001376266.1); c.4003A>T, p.Met1335Leu (NM_001376267.1); c.739A>T, p.Met247Leu (NM_001400681.1); c.649A>T, p.Met217Leu (NM_001400682.1); c.3904A>T, p.Met1302Leu (NM_138732.3); and 1 more; short protein forms M1357L, M1364L, M1372L, M247L, M1365L, M1302L, M1335L, M217L.
Identifiers: ClinVar variation 4993009 (VCV004993009.1).
Genomic context (GRCh38, chr11:64,622,812, plus strand): 5'-CCTGGGTGGTGCTGTCCCTCAGTGTGGGGGAGCGGCCCCGGCGCGTGGTGGTAGTGGCCA[T>A]GGTGGTGGTAGTCTCCATGATGGTGGTGGCCATGTCAGCCAGCAGGGTGGTGGCCGTGGT-3'
Protein context (NP_055895.1, residues 1362-1382): ATTIMETTTT[Met1372Leu]ATTTTRRGRS